The following is an entry in ClinVar:

NM_003482.4(KMT2D):c.8968G>T (p.Asp2990Tyr)

Gene: KMT2D (lysine methyltransferase 2D; minus strand). Cytogenetic location: 12q13.12.
Variant type: single nucleotide variant.
Coding change: c.8968G>T on transcript NM_003482.4 (MANE Select); coding-DNA position 8968, G replaced by T.
Protein change: p.Asp2990Tyr; replaces aspartic acid 2990 with tyrosine.
Molecular consequence: missense variant.
Genome position (GRCh38, 1-based): chr12:49,038,388, C>A on the plus strand (G>T on the coding strand, the complement: KMT2D is on the minus strand). VCF-style: chr12-49038388-C-A. GRCh37 (hg19) VCF-style: chr12-49432171-C-A.
Other names: short protein forms D2990Y.
Identifiers: ClinVar variation 4779756 (VCV004779756.1).

ClinVar aggregate classification (germline): Uncertain significance (1 of 4 stars; one submission).

Conditions:
Kabuki syndrome. Also called: Kabuki make-up syndrome; NIIKAWA-KUROKI SYNDROME. Identifiers: Orphanet 2322, MedGen C0796004, MONDO:0016512.

gnomAD v4.1: 1 of 1,613,896 alleles (0.000062%); highest among the groups gnomAD compares: Non-Finnish European, 0.000085%; no homozygotes.

Submission:

Labcorp Genetics (formerly Invitae), Labcorp
Classification: Uncertain significance for Kabuki syndrome. Last evaluated: 2025-08-19. Review status: criteria provided, single submitter. Criteria: Invitae Variant Classification Sherloc (09022015). Collection method: clinical testing. Allele origin: germline.
Comment: This sequence change replaces aspartic acid, which is acidic and polar, with tyrosine, which is neutral and polar, at codon 2990 of the KMT2D protein (p.Asp2990Tyr). This variant is not present in population databases (gnomAD no frequency). This variant has not been reported in the literature in individuals affected with KMT2D-related conditions. Invitae Evidence Modeling of protein sequence and biophysical properties (such as structural, functional, and spatial information, amino acid conservation, physicochemical variation, residue mobility, and thermodynamic stability) indicates that this missense variant is not expected to disrupt KMT2D protein function with a negative predictive value of 95%. In summary, the available evidence is currently insufficient to determine the role of this variant in disease. Therefore, it has been classified as a Variant of Uncertain Significance.